The following is an entry in ClinVar:

ClinVar aggregate classification (germline): Likely benign (1 of 4 stars; one submission).

gnomAD v4.1: 20 of 1,613,158 alleles (0.0012%); highest among the groups gnomAD compares: South Asian, 0.0088%; no homozygotes.

Submission:

CeGaT Center for Human Genetics Tuebingen
Classification: Likely benign. Last evaluated: 2025-01-01. Review status: criteria provided, single submitter. Criteria: CeGaT Center For Human Genetics Tuebingen Variant Classification Criteria Version 2. Collection method: clinical testing. Allele origin: germline. Affected: yes. Observed: 1 variant allele.
Comment: ZP2: BP4, BP7

NM_001376232.1(ZP2):c.1284T>C (p.Tyr428=)

Gene: ZP2 (zona pellucida glycoprotein 2; minus strand). Cytogenetic location: 16p12.2.
Variant type: single nucleotide variant.
Coding change: c.1284T>C on transcript NM_001376232.1 (MANE Select); coding-DNA position 1284, T replaced by C.
Protein change: p.Tyr428=; no amino-acid change (tyrosine 428 retained).
Molecular consequence: synonymous variant. On other transcripts: non-coding transcript variant (1).
Genome position (GRCh38, 1-based): chr16:21,202,107, A>G on the plus strand (T>C on the coding strand, the complement: ZP2 is on the minus strand). VCF-style: chr16-21202107-A-G. GRCh37 (hg19) VCF-style: chr16-21213428-A-G.
Other names: c.1284T>C, p.Tyr428= (NM_001376231.1, NM_001376233.1, NM_003460.2).
Identifiers: ClinVar variation 3770689 (VCV003770689.13).
Genomic context (GRCh38, chr16:21,202,107, plus strand): 5'-TAGCAGCCAGTTATGTCAAAGATGAGACTTAACCTCGTGCCATCTGCCAGTACTAACCTT[A>G]TATCTCGTTCCACATCCATTCAGGGGTATGTGGAACCGTACCAGCCCCTGAGACTGAGCC-3'
Protein context (NP_001363161.1, residues 418-438): HIPLNGCGTR[Tyr428=]KFEDDKVVYE